The following is an entry in ClinVar:

NM_024577.4(SH3TC2):c.211C>T (p.Gln71Ter)

Gene: SH3TC2 (SH3 domain and tetratricopeptide repeats 2; minus strand). Cytogenetic location: 5q32.
Variant type: single nucleotide variant.
Coding change: c.211C>T on transcript NM_024577.4 (MANE Select); coding-DNA position 211, C replaced by T.
Protein change: p.Gln71Ter; replaces glutamine 71 with a stop codon.
Molecular consequence: nonsense.
Genome position (GRCh38, 1-based): chr5:149,047,930, G>A on the plus strand (C>T on the coding strand, the complement: SH3TC2 is on the minus strand). VCF-style: chr5-149047930-G-A. GRCh37 (hg19) VCF-style: chr5-148427493-G-A.
Other names: short protein forms Q71*.
Identifiers: ClinVar variation 220821 (VCV000220821.10), dbSNP rs864622663, ClinGen allele CA348045.
Genomic context (GRCh38, chr5:149,047,930, plus strand): 5'-GCATGCGCACCTCCTGGTCCTCATTCTCCAGTGCCCAGAGCCGCCTCCGAGCAGCTTCCT[G>A]TAGGGGTCCATTTACACACCTCCTGGAGCGGCTCTTTACACAGAAGGAGAGTGTCAGGTC-3'

ClinVar aggregate classification (germline): Pathogenic/Likely pathogenic. Review status: criteria provided, multiple submitters, no conflicts (2 of 4 stars). 3 submissions from 3 submitters: Pathogenic (2); Likely pathogenic (1). Last evaluated 2025-11-03.

Conditions:
SH3TC2-related disorder. Also called: SH3TC2-related condition; SH3TC2-related disorders. Identifiers: MedGen CN239303.
Charcot-Marie-Tooth disease type 4C (CMT4C). Also called: Charcot-Marie-Tooth Neuropathy Type 4C (CMT4C); SH3TC2-Related Hereditary Motor and Sensory Neuropathy; CHARCOT-MARIE-TOOTH DISEASE, DEMYELINATING, AUTOSOMAL RECESSIVE, TYPE 4C; CHARCOT-MARIE-TOOTH DISEASE, DEMYELINATING, TYPE 4C; CMT 4C. Identifiers: Orphanet 99949, MedGen C1866636, MONDO:0011113, OMIM 601596.
Susceptibility to mononeuropathy of the median nerve, mild. Also called: CARPAL TUNNEL SYNDROME, SUSCEPTIBILITY TO. Identifiers: MedGen C3150596, MONDO:0013237, OMIM 613353.
Charcot-Marie-Tooth disease type 4. Also called: Charcot-Marie-Tooth disease, type IV; Charcot-Marie-Tooth, Type 4. Identifiers: Orphanet 64749, MedGen C4082197, MONDO:0018995.

Allele frequency attached by ClinVar (database versions not stated): gnomAD exomes below 0.00001; gnomAD 0.00001; TOPMed 0.00001.

Submissions (3):

PreventionGenetics, part of Exact Sciences
Classification: Likely pathogenic for SH3TC2-related condition. Last evaluated: 2025-11-03. Review status: criteria provided, single submitter. Criteria: ACMG Guidelines, 2015. Collection method: clinical testing. Allele origin: germline.
Comment: The SH3TC2 c.211C>T variant is predicted to result in premature protein termination (p.Gln71*). This variant was reported with a second SH3TC2 nonsense variant in an individual with Charcot-Marie-Tooth disease (Bacquet et al. 2018. PubMed ID: 30373780). This variant is reported in 0.0040% of alleles in individuals of African descent in gnomAD. Nonsense variants in SH3TC2 are expected to be pathogenic. This variant is interpreted as likely pathogenic for autosomal recessive SH3TC2-related disorders.

Fulgent Genetics
Classification: Pathogenic for Charcot-Marie-Tooth disease type 4C; Susceptibility to mononeuropathy of the median nerve, mild. Last evaluated: 2024-02-27. Review status: criteria provided, single submitter. Criteria: ACMG Guidelines, 2015. Collection method: clinical testing. Allele origin: germline.

Labcorp Genetics (formerly Invitae), Labcorp
Classification: Pathogenic for Charcot-Marie-Tooth disease type 4. Last evaluated: 2023-10-22. Review status: criteria provided, single submitter. Criteria: Invitae Variant Classification Sherloc (09022015). Collection method: clinical testing. Allele origin: germline.
Comment: This sequence change creates a premature translational stop signal (p.Gln71*) in the SH3TC2 gene. It is expected to result in an absent or disrupted protein product. Loss-of-function variants in SH3TC2 are known to be pathogenic (PMID: 20220177, 27068304). This variant is present in population databases (no rsID available, gnomAD 0.004%). This premature translational stop signal has been observed in individuals with clinical features of Charcot-Marie-Tooth disease (PMID: 30373780; Invitae). ClinVar contains an entry for this variant (Variation ID: 220821). For these reasons, this variant has been classified as Pathogenic.

Literature cited by the submitters: PubMed 20220177 (cited by Labcorp Genetics (formerly Invitae), Labcorp); PubMed 27068304 (cited by Labcorp Genetics (formerly Invitae), Labcorp); PubMed 30373780 (cited by Labcorp Genetics (formerly Invitae), Labcorp).